The following is an entry in ClinVar:

NM_052854.4(CREB3L1):c.1097A>T (p.Lys366Met)

Gene: CREB3L1 (cAMP responsive element binding protein 3 like 1; plus strand). Cytogenetic location: 11p11.2.
Variant type: single nucleotide variant.
Coding change: c.1097A>T on transcript NM_052854.4 (MANE Select); coding-DNA position 1097, A replaced by T.
Protein change: p.Lys366Met; replaces lysine 366 with methionine.
Molecular consequence: missense variant.
Genome position (GRCh38, 1-based): chr11:46,316,351, A>T. VCF-style: chr11-46316351-A-T. GRCh37 (hg19) VCF-style: chr11-46337902-A-T.
Other names: short protein forms K366M.
Identifiers: ClinVar variation 1516536 (VCV001516536.8), dbSNP rs2136358157, ClinGen allele CA380224326.

ClinVar aggregate classification (germline): Uncertain significance (1 of 4 stars; one submission).

Submission:

Labcorp Genetics (formerly Invitae), Labcorp
Classification: Uncertain significance. Last evaluated: 2025-11-17. Review status: criteria provided, single submitter. Criteria: Invitae Variant Classification Sherloc (09022015). Collection method: clinical testing. Allele origin: germline.
Comment: This sequence change replaces lysine, which is basic and polar, with methionine, which is neutral and non-polar, at codon 366 of the CREB3L1 protein (p.Lys366Met). This variant is not present in population databases (gnomAD no frequency). This variant has not been reported in the literature in individuals affected with CREB3L1-related conditions. ClinVar contains an entry for this variant (Variation ID: 1516536). An algorithm developed to predict the effect of missense changes on protein structure and function (PolyPhen-2) suggests that this variant is likely to be disruptive. In summary, the available evidence is currently insufficient to determine the role of this variant in disease. Therefore, it has been classified as a Variant of Uncertain Significance.